The following is an entry in ClinVar:

NM_000017.4(ACADS):c.477C>A (p.Asn159Lys)

Gene: ACADS (acyl-CoA dehydrogenase short chain; plus strand). Cytogenetic location: 12q24.31.
Variant type: single nucleotide variant.
Coding change: c.477C>A on transcript NM_000017.4 (MANE Select); coding-DNA position 477, C replaced by A.
Protein change: p.Asn159Lys; replaces asparagine 159 with lysine.
Molecular consequence: missense variant. On other transcripts: intron variant (1).
Genome position (GRCh38, 1-based): chr12:120,737,841, C>A. VCF-style: chr12-120737841-C-A. GRCh37 (hg19) VCF-style: chr12-121175644-C-A.
Other names: c.477C>A (NM_000017.2); c.473-208C>A (NM_001302554.2); short protein forms N159K.
Identifiers: ClinVar variation 1992290 (VCV001992290.6), dbSNP rs747915680, ClinGen allele CA386614503.

ClinVar aggregate classification (germline): Uncertain significance. Review status: criteria provided, multiple submitters, no conflicts (2 of 4 stars). 2 submissions from 2 submitters: Uncertain significance (2). Last evaluated 2026-06-23.

Conditions:
Deficiency of butyryl-CoA dehydrogenase (ACADSD). Also called: ACYL-CoA DEHYDROGENASE, SHORT-CHAIN, DEFICIENCY OF; ACADS DEFICIENCY; SCADH DEFICIENCY; SCAD DEFICIENCY, MILD; SCAD Deficiency; Short-Chain Acyl-CoA Dehydrogenase Deficiency. Identifiers: Orphanet 26792, MedGen C0342783, MONDO:0008722, OMIM 201470. Disease mechanism: May be benign.

gnomAD v4.1: 1 of 1,613,876 alleles (0.000062%); highest among the groups gnomAD compares: Admixed American, 0.0017%; no homozygotes.

Submissions (2):

GeneDx
Classification: Uncertain significance. Last evaluated: 2026-06-23. Review status: criteria provided, single submitter. Criteria: GeneDx Variant Classification Process June 2021. Collection method: clinical testing. Allele origin: germline.
Comment: Identified in an individual with elevated C4 on newborn screening; this individual had other variants in the ACADS gene, the phase of which was not reported (PMID: 31813752); Not observed at significant frequency in large population cohorts (gnomAD); In silico analysis supports that this missense variant has a deleterious effect on protein structure/function; This variant is associated with the following publications: (PMID: 31813752)

Labcorp Genetics (formerly Invitae), Labcorp
Classification: Uncertain significance for Deficiency of butyryl-CoA dehydrogenase. Last evaluated: 2022-11-01. Review status: criteria provided, single submitter. Criteria: Invitae Variant Classification Sherloc (09022015). Collection method: clinical testing. Allele origin: germline.
Comment: In summary, the available evidence is currently insufficient to determine the role of this variant in disease. Therefore, it has been classified as a Variant of Uncertain Significance. This sequence change replaces asparagine, which is neutral and polar, with lysine, which is basic and polar, at codon 159 of the ACADS protein (p.Asn159Lys). This variant is not present in population databases (gnomAD no frequency). This missense change has been observed in individual(s) with clinical features of short-chain acyl-coenzyme A dehydrogenase deficiency (PMID: 31813752). Advanced modeling of protein sequence and biophysical properties (such as structural, functional, and spatial information, amino acid conservation, physicochemical variation, residue mobility, and thermodynamic stability) performed at Invitae indicates that this missense variant is expected to disrupt ACADS protein function.

Literature cited by the submitters: PubMed 31813752 (cited by Labcorp Genetics (formerly Invitae), Labcorp).